The following is an entry in ClinVar:

ClinVar aggregate classification (germline): Likely benign (1 of 4 stars; one submission).

Conditions:
DOCK7-related disorder. Also called: DOCK7-related condition.

Submission:

PreventionGenetics, part of Exact Sciences
Classification: Likely benign for DOCK7-related condition. Last evaluated: 2024-10-25. Review status: criteria provided, single submitter. Criteria: ACMG Guidelines, 2015. Collection method: clinical testing. Allele origin: germline.
Comment: This variant is classified as likely benign based on ACMG/AMP sequence variant interpretation guidelines (Richards et al. 2015 PMID: 25741868, with internal and published modifications).

NM_001367561.1(DOCK7):c.5494-9A>C

Gene: DOCK7 (dedicator of cytokinesis 7; minus strand). Cytogenetic location: 1p31.3.
Variant type: single nucleotide variant.
Coding change: c.5494-9A>C on transcript NM_001367561.1 (MANE Select); 9 bases into the intron before coding-DNA position 5494, A replaced by C.
Molecular consequence: intron variant.
Genome position (GRCh38, 1-based): chr1:62,487,421, T>G on the plus strand (A>C on the coding strand, the complement: DOCK7 is on the minus strand). VCF-style: chr1-62487421-T-G. GRCh37 (hg19) VCF-style: chr1-62953092-T-G.
Other names: c.5373+1513A>C (NM_001272001.2); c.5374-9A>C (NM_001272000.2); c.5401-9A>C (NM_033407.4); c.5466+1513A>C (NM_001271999.2); c.5467-9A>C (NM_001330614.2).
Identifiers: ClinVar variation 5001439 (VCV005001439.1).
Genomic context (GRCh38, chr1:62,487,421, plus strand): 5'-TCTATTAGTGTCTTTAACTAACTAAAACATTACCTACCTCCCAGCCAGTACTCTGTATAA[T>G]AAAAAGTAAAAAAGGGCAAGTCATAAAAAAACTGTTTGAAAGAACAAAAAAGGCCAAAGG-3'